The following is an entry in ClinVar:

ClinVar aggregate classification (germline): Pathogenic (1 of 4 stars; one submission).

Conditions:
Walker-Warburg congenital muscular dystrophy. Also called: Muscular dystrophy-dystroglycanopathy, type A; Walker-Warburg syndrome. Identifiers: Orphanet 899, MedGen C0265221, MONDO:0000171.

Submission:

Labcorp Genetics (formerly Invitae), Labcorp
Classification: Pathogenic for Walker-Warburg congenital muscular dystrophy. Last evaluated: 2018-04-11. Review status: criteria provided, single submitter. Criteria: Invitae Variant Classification Sherloc (09022015). Collection method: clinical testing. Allele origin: germline.
Comment: This variant is not present in population databases (ExAC no frequency). This sequence change creates a premature translational stop signal (p.Phe135Alafs*2) in the FKTN gene. It is expected to result in an absent or disrupted protein product. This variant has not been reported in the literature in individuals with FKTN-related disease. For these reasons, this variant has been classified as Pathogenic. Loss-of-function variants in FKTN are known to be pathogenic (PMID: 17044012, 17878207, 18752264).

Literature cited by the submitters: PubMed 17044012; PubMed 17878207; PubMed 18752264.

NM_001079802.2(FKTN):c.403_404insGCCTAAATCT (p.Phe135fs)

Gene: FKTN (fukutin; plus strand). Cytogenetic location: 9q31.2.
Variant type: Insertion.
Coding change: c.403_404insGCCTAAATCT on transcript NM_001079802.2 (MANE Select); coding-DNA positions 403 to 404, GCCTAAATCT inserted.
Protein change: p.Phe135fs; shifts the reading frame from phenylalanine 135.
Molecular consequence: frameshift variant. On other transcripts: non-coding transcript variant (2).
Genome position: GRCh38 VCF-style: chr9-105604247-A-ATGCCTAAATC. GRCh37 (hg19) VCF-style: chr9-108366528-A-ATGCCTAAATC.
Other names: c.403_404insGCCTAAATCT, p.Phe135fs (NM_001198963.2, NM_001351496.2, NM_001351498.2 and 1 more transcripts); c.334_335insGCCTAAATCT, p.Phe112fs (NM_001351497.2); c.7_8insGCCTAAATCT, p.Phe3fs (NM_001351499.2, NM_001351500.2, NM_001351501.2 and 1 more transcripts); short protein forms F112fs, F135fs, F3fs.
Identifiers: ClinVar variation 566601 (VCV000566601.5), dbSNP rs1564290459, ClinGen allele CA891842492.